The following is an entry in ClinVar:

NM_001366385.1(CARD14):c.484C>G (p.Leu162Val)

Gene: CARD14 (caspase recruitment domain family member 14; plus strand). Cytogenetic location: 17q25.3.
Variant type: single nucleotide variant.
Coding change: c.484C>G on transcript NM_001366385.1 (MANE Select); coding-DNA position 484, C replaced by G.
Protein change: p.Leu162Val; replaces leucine 162 with valine.
Molecular consequence: missense variant. On other transcripts: non-coding transcript variant (1).
Genome position (GRCh38, 1-based): chr17:80,184,047, C>G. VCF-style: chr17-80184047-C-G. GRCh37 (hg19) VCF-style: chr17-78157846-C-G.
Other names: c.484C>G, p.Leu162Val (NM_001257970.1, NM_024110.4); short protein forms L162V.
Identifiers: ClinVar variation 844790 (VCV000844790.13), dbSNP rs1180184443, ClinGen allele CA401336567.

ClinVar aggregate classification (germline): Uncertain significance. Review status: criteria provided, multiple submitters, no conflicts (2 of 4 stars). 2 submissions from 2 submitters: Uncertain significance (2). Last evaluated 2025-08-02.

Conditions:
Pityriasis rubra pilaris (PRP). Also called: Pityriasis rubra pilaris--familial type. Identifiers: Orphanet 2897, MedGen C0032027, MONDO:0100017, OMIM 173200, MONDO:0008251.
Psoriasis 2. Identifiers: MedGen C1864497, MONDO:0011269, OMIM 602723.
Autoinflammatory syndrome. Identifiers: Orphanet 93665, MedGen C3890737, MONDO:0019751.

Allele frequency attached by ClinVar (database versions not stated): TOPMed below 0.00001.
gnomAD v4.1: 6 of 1,587,696 alleles (0.00038%); highest among the groups gnomAD compares: Non-Finnish European, 0.00051%; no homozygotes.

Submissions (2):

Labcorp Genetics (formerly Invitae), Labcorp
Classification: Uncertain significance for Pityriasis rubra pilaris; Psoriasis 2. Last evaluated: 2025-08-02. Review status: criteria provided, single submitter. Criteria: Invitae Variant Classification Sherloc (09022015). Collection method: clinical testing. Allele origin: germline.
Comment: This sequence change replaces leucine, which is neutral and non-polar, with valine, which is neutral and non-polar, at codon 162 of the CARD14 protein (p.Leu162Val). This variant is not present in population databases (gnomAD no frequency). This variant has not been reported in the literature in individuals affected with CARD14-related conditions. ClinVar contains an entry for this variant (Variation ID: 844790). Invitae Evidence Modeling of protein sequence and biophysical properties (such as structural, functional, and spatial information, amino acid conservation, physicochemical variation, residue mobility, and thermodynamic stability) indicates that this missense variant is not expected to disrupt CARD14 protein function with a negative predictive value of 95%. In summary, the available evidence is currently insufficient to determine the role of this variant in disease. Therefore, it has been classified as a Variant of Uncertain Significance.

Genome Diagnostics Laboratory, The Hospital for Sick Children
Classification: Uncertain significance for Autoinflammatory syndrome. Last evaluated: 2019-09-01. Review status: criteria provided, single submitter. Criteria: ACMG Guidelines, 2015. Collection method: clinical testing. Allele origin: germline. Affected: yes.